The following is an entry in ClinVar:

NM_018026.4(PACS1):c.1075A>G (p.Ile359Val)

Gene: PACS1 (phosphofurin acidic cluster sorting protein 1; plus strand). Cytogenetic location: 11q13.2.
Variant type: single nucleotide variant.
Coding change: c.1075A>G on transcript NM_018026.4 (MANE Select); coding-DNA position 1075, A replaced by G.
Protein change: p.Ile359Val; replaces isoleucine 359 with valine.
Molecular consequence: missense variant.
Genome position (GRCh38, 1-based): chr11:66,220,667, A>G. VCF-style: chr11-66220667-A-G. GRCh37 (hg19) VCF-style: chr11-65988138-A-G.
Other names: short protein forms I359V.
Identifiers: ClinVar variation 3676109 (VCV003676109.2).
Genomic context (GRCh38, chr11:66,220,667, plus strand): 5'-TCAGAGACTCCTTTTTCCCTGCAGGTGGGCTTTGGGCTGGAGCATGTGTCCCGCGAGCAG[A>G]TCCGGGAAGTGGAAGAGGACTTGGATGAATTGTATGACAGTCTGGAGATGTACAACCCCA-3'
Protein context (NP_060496.2, residues 349-369): FGLEHVSREQ[Ile359Val]REVEEDLDEL

ClinVar aggregate classification (germline): Uncertain significance (1 of 4 stars; one submission).

Conditions:
Schuurs-Hoeijmakers syndrome. Also called: PACS1-Related Neurodevelopmental Disorder. Identifiers: Orphanet 329224, MedGen C3554343, MONDO:0014006, OMIM 615009.

Submission:

Labcorp Genetics (formerly Invitae), Labcorp
Classification: Uncertain significance for Schuurs-Hoeijmakers syndrome. Last evaluated: 2024-10-24. Review status: criteria provided, single submitter. Criteria: Invitae Variant Classification Sherloc (09022015). Collection method: clinical testing. Allele origin: germline.
Comment: This sequence change replaces isoleucine, which is neutral and non-polar, with valine, which is neutral and non-polar, at codon 359 of the PACS1 protein (p.Ile359Val). This variant is present in population databases (no rsID available, gnomAD 0.0009%). This variant has not been reported in the literature in individuals affected with PACS1-related conditions. Invitae Evidence Modeling of protein sequence and biophysical properties (such as structural, functional, and spatial information, amino acid conservation, physicochemical variation, residue mobility, and thermodynamic stability) indicates that this missense variant is not expected to disrupt PACS1 protein function with a negative predictive value of 80%. In summary, the available evidence is currently insufficient to determine the role of this variant in disease. Therefore, it has been classified as a Variant of Uncertain Significance.